The following is an entry in ClinVar:

NM_152618.3(BBS12):c.2117G>C (p.Gly706Ala)

Gene: BBS12 (Bardet-Biedl syndrome 12; plus strand). Cytogenetic location: 4q27.
Variant type: single nucleotide variant.
Coding change: c.2117G>C on transcript NM_152618.3 (MANE Select); coding-DNA position 2117, G replaced by C.
Protein change: p.Gly706Ala; replaces glycine 706 with alanine.
Molecular consequence: missense variant.
Genome position (GRCh38, 1-based): chr4:122,744,009, G>C. VCF-style: chr4-122744009-G-C. GRCh37 (hg19) VCF-style: chr4-123665164-G-C.
Other names: c.2117G>C, p.Gly706Ala (NM_001178007.2); short protein forms G706A.
Identifiers: ClinVar variation 963801 (VCV000963801.5), dbSNP rs759180956, ClinGen allele CA3069568.

ClinVar aggregate classification (germline): Uncertain significance. Review status: criteria provided, single submitter (1 of 4 stars). 2 submissions from 2 submitters: Uncertain significance (1). 1 of the submissions does not count toward it. Last evaluated 2022-03-02.

Conditions:
Bardet-Biedl syndrome 12 (BBS12). Identifiers: Orphanet 110, MedGen C1859570, MONDO:0014440, OMIM 615989.
Bardet-Biedl syndrome (BBS). Identifiers: Orphanet 110, MedGen C0752166, MONDO:0015229.

Allele frequency attached by ClinVar (database versions not stated): gnomAD 0.00001; gnomAD exomes 0.00001 and 0.00002; TOPMed 0.00001; ExAC 0.00002.
gnomAD v4.1: 13 of 1,613,524 alleles (0.00081%); highest among the groups gnomAD compares: African/African-American, 0.0013%; no homozygotes.

Submissions (2):

Labcorp Genetics (formerly Invitae), Labcorp
Classification: Uncertain significance for Bardet-Biedl syndrome. Last evaluated: 2022-03-02. Review status: criteria provided, single submitter. Criteria: Invitae Variant Classification Sherloc (09022015). Collection method: clinical testing. Allele origin: germline.
Comment: This sequence change replaces glycine, which is neutral and non-polar, with alanine, which is neutral and non-polar, at codon 706 of the BBS12 protein (p.Gly706Ala). This variant is present in population databases (rs759180956, gnomAD 0.004%). This variant has not been reported in the literature in individuals affected with BBS12-related conditions. ClinVar contains an entry for this variant (Variation ID: 963801). Algorithms developed to predict the effect of missense changes on protein structure and function are either unavailable or do not agree on the potential impact of this missense change (SIFT: "Tolerated"; PolyPhen-2: "Possibly Damaging"; Align-GVGD: "Class C0"). In summary, the available evidence is currently insufficient to determine the role of this variant in disease. Therefore, it has been classified as a Variant of Uncertain Significance.

Natera, Inc.
Classification: Uncertain significance for Bardet-Biedl syndrome type 12. Last evaluated: 2025-01-17. Review status: no assertion criteria provided. Collection method: clinical testing. Allele origin: germline. Not counted in ClinVar's aggregate classification.